The following is an entry in ClinVar:

NM_005633.4(SOS1):c.1566T>C (p.Asn522=)

Gene: SOS1 (SOS Ras/Rac guanine nucleotide exchange factor 1; minus strand). Cytogenetic location: 2p22.1.
Variant type: single nucleotide variant.
Coding change: c.1566T>C on transcript NM_005633.4 (MANE Select); coding-DNA position 1566, T replaced by C.
Protein change: p.Asn522=; no amino-acid change (asparagine 522 retained).
Molecular consequence: synonymous variant.
Genome position (GRCh38, 1-based): chr2:39,022,862, A>G on the plus strand (T>C on the coding strand, the complement: SOS1 is on the minus strand). VCF-style: chr2-39022862-A-G. GRCh37 (hg19) VCF-style: chr2-39250003-A-G.
Other names: c.1545T>C, p.Asn515= (NM_001382394.1); c.1566T>C, p.Asn522= (NM_001382395.1).
Identifiers: ClinVar variation 378634 (VCV000378634.15), dbSNP rs145325119, ClinGen allele CA1624581.
Genomic context (GRCh38, chr2:39,022,862, plus strand): 5'-TATCAATGCTGCCATCCAATTGTTTTTCTCTTCAGCTGACTTGGCAGAAAATATAACACT[A>G]TTTTCATCTTTTAAAATTATTTCAAAAGCATGCTTGTATTCATTGGTGTCATCTTTATCA-3'
Protein context (NP_005624.2, residues 512-532): HAFEIILKDE[Asn522=]SVIFSAKSAE

ClinVar aggregate classification (germline): Benign/Likely benign. Review status: criteria provided, multiple submitters, no conflicts (2 of 4 stars). 6 submissions from 5 submitters: Benign (2); Likely benign (4). Last evaluated 2026-01-13.

Conditions:
SOS1-related disorder. Also called: SOS1-related condition.
Cardiovascular phenotype. Identifiers: MedGen CN230736.
RASopathy. Also called: Noonan spectrum disorder; rasopathies. Identifiers: Orphanet 536391, MedGen C5555857, MONDO:0021060.
Fibromatosis, gingival, 1 (GINGF1). Identifiers: Orphanet 2024, MedGen C4551558, MONDO:0007609, OMIM 135300.
Noonan syndrome 4 (NS4). Also called: SOS1-Related Noonan Syndrome; NOONAN SYNDROME WITH PIGMENTED VILLONODULAR SYNOVITIS. Identifiers: Orphanet 648, MedGen C1853120, MONDO:0012547, OMIM 610733.

Allele frequency attached by ClinVar (database versions not stated): gnomAD exomes 0.00001 and 0.00004; ExAC 0.00004; ESP Exome Variant Server 0.00008; gnomAD 0.00009 and 0.00010; TOPMed 0.00012.
gnomAD v4.1: 23 of 1,612,736 alleles (0.0014%); highest among the groups gnomAD compares: African/African-American, 0.028%; no homozygotes.

Submissions (6):

Labcorp Genetics (formerly Invitae), Labcorp
Classification: Likely benign for RASopathy. Last evaluated: 2026-01-13. Review status: criteria provided, single submitter. Criteria: Invitae Variant Classification Sherloc (09022015). Collection method: clinical testing. Allele origin: germline.

PreventionGenetics, part of Exact Sciences
Classification: Likely benign for SOS1-related condition. Last evaluated: 2025-07-15. Review status: criteria provided, single submitter. Criteria: ACMG Guidelines, 2015. Collection method: clinical testing. Allele origin: germline.
Comment: This variant is classified as likely benign based on ACMG/AMP sequence variant interpretation guidelines (Richards et al. 2015 PMID: 25741868, with internal and published modifications).

Ambry Genetics
Classification: Benign for Cardiovascular phenotype. Last evaluated: 2021-03-30. Review status: criteria provided, single submitter. Criteria: Ambry Variant Classification Scheme 2023. Collection method: clinical testing. Allele origin: germline.

GeneDx
Classification: Benign. Last evaluated: 2015-03-18. Review status: criteria provided, single submitter. Criteria: GeneDx Variant Classification (06012015). Collection method: clinical testing. Allele origin: germline. Affected: yes.
Comment: This variant is considered likely benign or benign based on one or more of the following criteria: it is a conservative change, it occurs at a poorly conserved position in the protein, it is predicted to be benign by multiple in silico algorithms, and/or has population frequency not consistent with disease.

Genome-Nilou Lab
Classification: Likely benign for Noonan syndrome 4. Review status: criteria provided, single submitter. Criteria: ACMG Guidelines, 2015. Collection method: clinical testing. Allele origin: germline.

Genome-Nilou Lab
Classification: Likely benign for Fibromatosis, gingival, 1. Review status: criteria provided, single submitter. Criteria: ACMG Guidelines, 2015. Collection method: clinical testing. Allele origin: germline.